The following is an entry in ClinVar:

ClinVar aggregate classification (germline): Uncertain significance. Review status: criteria provided, multiple submitters, no conflicts (2 of 4 stars). 2 submissions from 2 submitters: Uncertain significance (2). Last evaluated 2024-07-22.

Conditions:
Inborn genetic diseases. Identifiers: MedGen C0950123, MeSH D030342.

Allele frequency attached by ClinVar (database versions not stated): TOPMed 0.00007.

Submissions (2):

Labcorp Genetics (formerly Invitae), Labcorp
Classification: Uncertain significance. Last evaluated: 2024-07-22. Review status: criteria provided, single submitter. Criteria: Invitae Variant Classification Sherloc (09022015). Collection method: clinical testing. Allele origin: germline.
Comment: This sequence change replaces proline, which is neutral and non-polar, with glutamine, which is neutral and polar, at codon 416 of the COMP protein (p.Pro416Gln). This variant is present in population databases (rs764546396, gnomAD 0.07%), and has an allele count higher than expected for a pathogenic variant. This variant has not been reported in the literature in individuals affected with COMP-related conditions. ClinVar contains an entry for this variant (Variation ID: 1022415). Advanced modeling of protein sequence and biophysical properties (such as structural, functional, and spatial information, amino acid conservation, physicochemical variation, residue mobility, and thermodynamic stability) performed at Invitae indicates that this missense variant is not expected to disrupt COMP protein function with a negative predictive value of 80%. In summary, the available evidence is currently insufficient to determine the role of this variant in disease. Therefore, it has been classified as a Variant of Uncertain Significance.

Ambry Genetics
Classification: Uncertain significance for Inborn genetic diseases. Last evaluated: 2023-04-10. Review status: criteria provided, single submitter. Criteria: Ambry Variant Classification Scheme 2023. Collection method: clinical testing. Allele origin: germline.

NM_000095.3(COMP):c.1247C>A (p.Pro416Gln)

Gene: COMP (cartilage oligomeric matrix protein; minus strand). Cytogenetic location: 19p13.11.
Variant type: single nucleotide variant.
Coding change: c.1247C>A on transcript NM_000095.3 (MANE Select); coding-DNA position 1247, C replaced by A.
Protein change: p.Pro416Gln; replaces proline 416 with glutamine.
Molecular consequence: missense variant.
Genome position (GRCh38, 1-based): chr19:18,786,539, G>T on the plus strand (C>A on the coding strand, the complement: COMP is on the minus strand). VCF-style: chr19-18786539-G-T. GRCh37 (hg19) VCF-style: chr19-18897349-G-T.
Other names: c.1247C>A (NM_000095.2); short protein forms P416Q.
Identifiers: ClinVar variation 1022415 (VCV001022415.10), dbSNP rs764546396, ClinGen allele CA9316492.